The following is an entry in ClinVar:

NM_001277115.2(DNAH11):c.7250_7253delinsA (p.Thr2417_Leu2418delinsLys)

Gene: DNAH11 (dynein axonemal heavy chain 11; plus strand). Cytogenetic location: 7p15.3.
Variant type: Indel.
Coding change: c.7250_7253delinsA on transcript NM_001277115.2 (MANE Select); coding-DNA positions 7250 to 7253, CCCT replaced by A.
Protein change: p.Thr2417_Leu2418delinsLys.
Molecular consequence: inframe indel.
Genome position (GRCh38, 1-based): chr7:21,720,840-21,720,843, CCCT replaced by A. VCF-style: chr7-21720840-CCCT-A. GRCh37 (hg19) VCF-style: chr7-21760458-CCCT-A.
Identifiers: ClinVar variation 4775724 (VCV004775724.1).

ClinVar aggregate classification (germline): Uncertain significance (1 of 4 stars; one submission).

Conditions:
Primary ciliary dyskinesia. Also called: Ciliary dyskinesia. Identifiers: Orphanet 244, MedGen C0008780, MONDO:0016575, HP:0012265.

Submission:

Labcorp Genetics (formerly Invitae), Labcorp
Classification: Uncertain significance for Primary ciliary dyskinesia. Last evaluated: 2015-06-12. Review status: criteria provided, single submitter. Criteria: Invitae Variant Classification Sherloc (09022015). Collection method: clinical testing. Allele origin: germline.
Comment: This sequence change falls in intron 44 of the DNAH11 mRNA. It does not directly change the encoded amino acid sequence of the DNAH11 protein. However, this results in a deletion of 4 bases (GTTT) and an insertion of 1 base (A), which alters the highly conserved +5 position of the donor consensus site from G to A. This variant has not been published in the literature and is not present in population databases. This intronic change is not expected to affect splicing, but this prediction has not been confirmed by published transcriptional studies. In summary, this is a novel intronic sequence with unknown impact on splicing. It has been classified as a variant of uncertain significance.